The following is an entry in ClinVar:

NM_001008212.2(OPTN):c.1298C>T (p.Ala433Val)

Gene: OPTN (optineurin; plus strand). Cytogenetic location: 10p13.
Variant type: single nucleotide variant.
Coding change: c.1298C>T on transcript NM_001008212.2 (MANE Select); coding-DNA position 1298, C replaced by T.
Protein change: p.Ala433Val; replaces alanine 433 with valine.
Molecular consequence: missense variant.
Genome position (GRCh38, 1-based): chr10:13,127,800, C>T. VCF-style: chr10-13127800-C-T. GRCh37 (hg19) VCF-style: chr10-13169800-C-T.
Other names: c.1298C>T, p.Ala433Val (NM_001008211.1, NM_001008213.1, NM_021980.4); short protein forms A433V.
Identifiers: ClinVar variation 2949657 (VCV002949657.4), dbSNP rs1350829993, ClinGen allele CA376029896.

ClinVar aggregate classification (germline): Uncertain significance. Review status: criteria provided, multiple submitters, no conflicts (2 of 4 stars). 2 submissions from 2 submitters: Uncertain significance (2). Last evaluated 2024-04-12.

Conditions:
Amyotrophic lateral sclerosis type 12 (ALS12). Also called: AMYOTROPHIC LATERAL SCLEROSIS 12 WITH OR WITHOUT FRONTOTEMPORAL DEMENTIA. Identifiers: Orphanet 803, MedGen C3150692, MONDO:0013264, OMIM 613435.
Primary open angle glaucoma (POAG). Also called: OPTN-related open angle glaucoma. Identifiers: MedGen C0339573, MONDO:0100553, OMIM 137760.
Glaucoma 1, open angle, E. Identifiers: MedGen C1842026, MONDO:0007665.

Allele frequency attached by ClinVar (database versions not stated): gnomAD exomes below 0.00001; TOPMed 0.00002; gnomAD 0.00003.
gnomAD v4.1: 9 of 1,613,970 alleles (0.00056%); highest among the groups gnomAD compares: East Asian, 0.0022%; no homozygotes.

Submissions (2):

Athena Diagnostics
Classification: Uncertain significance. Last evaluated: 2024-04-12. Review status: criteria provided, single submitter. Criteria: Athena Diagnostics Criteria. Collection method: clinical testing. Allele origin: unknown.
Comment: Available data are insufficient to determine the clinical significance of the variant at this time. The frequency of this variant in the general population is uninformative in assessment of its pathogenicity. Computational tools predict that this variant is not damaging.

Labcorp Genetics (formerly Invitae), Labcorp
Classification: Uncertain significance for Primary open angle glaucoma; Glaucoma 1, open angle, E; Amyotrophic lateral sclerosis type 12. Last evaluated: 2022-12-08. Review status: criteria provided, single submitter. Criteria: Invitae Variant Classification Sherloc (09022015). Collection method: clinical testing. Allele origin: germline.
Comment: In summary, the available evidence is currently insufficient to determine the role of this variant in disease. Therefore, it has been classified as a Variant of Uncertain Significance. Advanced modeling of protein sequence and biophysical properties (such as structural, functional, and spatial information, amino acid conservation, physicochemical variation, residue mobility, and thermodynamic stability) has been performed at Invitae for this missense variant, however the output from this modeling did not meet the statistical confidence thresholds required to predict the impact of this variant on OPTN protein function. This variant has not been reported in the literature in individuals affected with OPTN-related conditions. This variant is present in population databases (no rsID available, gnomAD 0.005%). This sequence change replaces alanine, which is neutral and non-polar, with valine, which is neutral and non-polar, at codon 433 of the OPTN protein (p.Ala433Val).

Literature cited by the submitters: PubMed 37197644 (cited by Athena Diagnostics).